The following is an entry in ClinVar:

NM_031475.3(ESPN):c.990+4C>T

Gene: ESPN (espin; plus strand). Cytogenetic location: 1p36.31.
Variant type: single nucleotide variant.
Coding change: c.990+4C>T on transcript NM_031475.3 (MANE Select); 4 bases into the intron after coding-DNA position 990, C replaced by T.
Molecular consequence: intron variant.
Genome position (GRCh38, 1-based): chr1:6,441,069, C>T. VCF-style: chr1-6441069-C-T. GRCh37 (hg19) VCF-style: chr1-6501129-C-T.
Other names: c.990+4C>T (NM_001367474.1, NM_001367473.1).
Identifiers: ClinVar variation 3625052 (VCV003625052.2).

ClinVar aggregate classification (germline): Uncertain significance (1 of 4 stars; one submission).

Submission:

Labcorp Genetics (formerly Invitae), Labcorp
Classification: Uncertain significance. Last evaluated: 2024-04-06. Review status: criteria provided, single submitter. Criteria: Invitae Variant Classification Sherloc (09022015). Collection method: clinical testing. Allele origin: germline.
Comment: This sequence change falls in intron 5 of the ESPN gene. It does not directly change the encoded amino acid sequence of the ESPN protein. It affects a nucleotide within the consensus splice site. This variant is present in population databases (rs377004123, gnomAD 0.02%). This variant has not been reported in the literature in individuals affected with ESPN-related conditions. Variants that disrupt the consensus splice site are a relatively common cause of aberrant splicing (PMID: 17576681, 9536098). Algorithms developed to predict the effect of sequence changes on RNA splicing suggest that this variant is not likely to affect RNA splicing. In summary, the available evidence is currently insufficient to determine the role of this variant in disease. Therefore, it has been classified as a Variant of Uncertain Significance.

Literature cited by the submitters: PubMed 17576681; PubMed 9536098.